The following is an entry in ClinVar:

NM_006766.5(KAT6A):c.4534A>G (p.Ile1512Val)

Gene: KAT6A (lysine acetyltransferase 6A; minus strand). Cytogenetic location: 8p11.21.
Variant type: single nucleotide variant.
Coding change: c.4534A>G on transcript NM_006766.5 (MANE Select); coding-DNA position 4534, A replaced by G.
Protein change: p.Ile1512Val; replaces isoleucine 1512 with valine.
Molecular consequence: missense variant.
Genome position (GRCh38, 1-based): chr8:41,933,686, T>C on the plus strand (A>G on the coding strand, the complement: KAT6A is on the minus strand). VCF-style: chr8-41933686-T-C. GRCh37 (hg19) VCF-style: chr8-41791204-T-C.
Other names: short protein forms I1512V.
Identifiers: ClinVar variation 3361340 (VCV003361340.1).

ClinVar aggregate classification (germline): Uncertain significance (1 of 4 stars; one submission).

Submission:

GeneDx
Classification: Uncertain significance. Last evaluated: 2023-07-19. Review status: criteria provided, single submitter. Criteria: GeneDx Variant Classification Process June 2021. Collection method: clinical testing. Allele origin: germline. Affected: yes.
Comment: Not observed at significant frequency in large population cohorts (gnomAD); In silico analysis supports that this missense variant does not alter protein structure/function; Has not been previously published as pathogenic or benign to our knowledge